The following is an entry in ClinVar:

NM_000836.4(GRIN2D):c.3479G>A (p.Gly1160Asp)

Gene: GRIN2D (glutamate ionotropic receptor NMDA type subunit 2D; plus strand). Cytogenetic location: 19q13.33.
Variant type: single nucleotide variant.
Coding change: c.3479G>A on transcript NM_000836.4 (MANE Select); coding-DNA position 3479, G replaced by A.
Protein change: p.Gly1160Asp; replaces glycine 1160 with aspartic acid.
Molecular consequence: missense variant.
Genome position (GRCh38, 1-based): chr19:48,443,405, G>A. VCF-style: chr19-48443405-G-A. GRCh37 (hg19) VCF-style: chr19-48946662-G-A.
Other names: c.3479G>A (NM_000836.2); short protein forms G1160D.
Identifiers: ClinVar variation 1500503 (VCV001500503.9), dbSNP rs1422044339, ClinGen allele CA406676438.
Genomic context (GRCh38, chr19:48,443,405, plus strand): 5'-CGTATGCCGAGCGCCTCGGGCCGCCGCCCGGCCGCTACTGGTCGGTCGACAAGCTCGGGG[G>A]CTGGCGCGCCGGGAGCTGGGACTACCTGCCCCCGCGCAGCGGTCCGGCCGCCTGGCACTG-3'
Protein context (NP_000827.2, residues 1150-1170): GRYWSVDKLG[Gly1160Asp]WRAGSWDYLP

ClinVar aggregate classification (germline): Uncertain significance. Review status: criteria provided, multiple submitters, no conflicts (2 of 4 stars). 2 submissions from 2 submitters: Uncertain significance (2). Last evaluated 2025-02-28.

Conditions:
Inborn genetic diseases. Identifiers: MedGen C0950123, MeSH D030342.

Allele frequency attached by ClinVar (database versions not stated): gnomAD 0.00001; TOPMed 0.00001; gnomAD exomes 0.00006.
gnomAD v4.1: 72 of 1,417,786 alleles (0.0051%); highest among the groups gnomAD compares: Non-Finnish European, 0.006%; no homozygotes.

Submissions (2):

Ambry Genetics
Classification: Uncertain significance for Inborn genetic diseases. Last evaluated: 2025-02-28. Review status: criteria provided, single submitter. Criteria: Ambry Variant Classification Scheme 2023. Collection method: clinical testing. Allele origin: germline.

Labcorp Genetics (formerly Invitae), Labcorp
Classification: Uncertain significance. Last evaluated: 2023-07-14. Review status: criteria provided, single submitter. Criteria: Invitae Variant Classification Sherloc (09022015). Collection method: clinical testing. Allele origin: germline.
Comment: This variant is not present in population databases (gnomAD no frequency). This sequence change replaces glycine, which is neutral and non-polar, with aspartic acid, which is acidic and polar, at codon 1160 of the GRIN2D protein (p.Gly1160Asp). This variant has not been reported in the literature in individuals affected with GRIN2D-related conditions. In summary, the available evidence is currently insufficient to determine the role of this variant in disease. Therefore, it has been classified as a Variant of Uncertain Significance. Advanced modeling of protein sequence and biophysical properties (such as structural, functional, and spatial information, amino acid conservation, physicochemical variation, residue mobility, and thermodynamic stability) performed at Invitae indicates that this missense variant is not expected to disrupt GRIN2D protein function. ClinVar contains an entry for this variant (Variation ID: 1500503).